The following is an entry in ClinVar:

NM_032043.3(BRIP1):c.1650T>G (p.Ile550Met)

Gene: BRIP1 (BRCA1 interacting DNA helicase 1; minus strand). Cytogenetic location: 17q23.2.
Variant type: single nucleotide variant.
Coding change: c.1650T>G on transcript NM_032043.3 (MANE Select); coding-DNA position 1650, T replaced by G.
Protein change: p.Ile550Met; replaces isoleucine 550 with methionine.
Molecular consequence: missense variant.
Genome position (GRCh38, 1-based): chr17:61,780,984, A>C on the plus strand (T>G on the coding strand, the complement: BRIP1 is on the minus strand). VCF-style: chr17-61780984-A-C. GRCh37 (hg19) VCF-style: chr17-59858345-A-C.
Other names: short protein forms I550M.
Identifiers: ClinVar variation 142127 (VCV000142127.23), dbSNP rs587782254, ClinGen allele CA167467.

ClinVar aggregate classification (germline): Conflicting classifications of pathogenicity. Review status: criteria provided, conflicting classifications (1 of 4 stars). 8 submissions from 8 submitters: Uncertain significance (7); Likely benign (1). Last evaluated 2025-06-11.

Conditions:
BRIP1-related disorder. Also called: BRIP1-related condition; BRIP1-related disorders. Identifiers: MedGen CN239206.
Familial cancer of breast. Also called: Hereditary breast cancer; hereditary breast carcinoma; BREAST CANCER, FAMILIAL. Identifiers: Orphanet 227535, MedGen C0346153, MONDO:0016419, OMIM 114480. Disease mechanism: loss of function.
Fanconi anemia complementation group J. Also called: BRIP1-Related Fanconi Anemia. Identifiers: Orphanet 84, MedGen C1836860, MONDO:0012187, OMIM 609054.
Hereditary cancer-predisposing syndrome. Also called: Neoplastic Syndromes, Hereditary; Hereditary Cancer Syndrome; Hereditary neoplastic syndrome; Tumor predisposition. Identifiers: Orphanet 140162, MedGen C0027672, MeSH D009386, MONDO:0015356.

Allele frequency attached by ClinVar (database versions not stated): gnomAD exomes below 0.00001; gnomAD 0.00001; TOPMed 0.00002.
gnomAD v4.1: 4 of 1,613,858 alleles (0.00025%); highest among the groups gnomAD compares: African/African-American, 0.0027%; no homozygotes.

Submissions (8):

GeneDx
Classification: Uncertain significance. Last evaluated: 2025-06-11. Review status: criteria provided, single submitter. Criteria: GeneDx Variant Classification Process June 2021. Collection method: clinical testing. Allele origin: germline. Affected: yes.
Comment: Not observed at significant frequency in large population cohorts (gnomAD); In silico analysis suggests that this missense variant does not alter protein structure/function; This variant is associated with the following publications: (PMID: 33471991)

Color Diagnostics, LLC DBA Color Health
Classification: Uncertain significance for Hereditary cancer-predisposing syndrome. Last evaluated: 2025-03-24. Review status: criteria provided, single submitter. Criteria: ACMG Guidelines, 2015. Collection method: clinical testing. Allele origin: germline.
Comment: This missense variant replaces isoleucine with methionine at codon 550 of the BRIP1 protein. Computational prediction suggests that this variant may not impact protein structure and function. To our knowledge, functional studies have not been reported for this variant. This variant has not been reported in individuals affected with BRIP1-related disorders in the literature. This variant has been identified in 1/31402 chromosomes in the general population by the Genome Aggregation Database (gnomAD). The available evidence is insufficient to determine the role of this variant in disease conclusively. Therefore, this variant is classified as a Variant of Uncertain Significance.

Labcorp Genetics (formerly Invitae), Labcorp
Classification: Uncertain significance for Familial cancer of breast; Fanconi anemia complementation group J. Last evaluated: 2024-11-06. Review status: criteria provided, single submitter. Criteria: Invitae Variant Classification Sherloc (09022015). Collection method: clinical testing. Allele origin: germline.
Comment: This sequence change replaces isoleucine, which is neutral and non-polar, with methionine, which is neutral and non-polar, at codon 550 of the BRIP1 protein (p.Ile550Met). This variant is present in population databases (rs587782254, gnomAD 0.01%). This variant has not been reported in the literature in individuals affected with BRIP1-related conditions. ClinVar contains an entry for this variant (Variation ID: 142127). Invitae Evidence Modeling of protein sequence and biophysical properties (such as structural, functional, and spatial information, amino acid conservation, physicochemical variation, residue mobility, and thermodynamic stability) indicates that this missense variant is not expected to disrupt BRIP1 protein function with a negative predictive value of 95%. In summary, the available evidence is currently insufficient to determine the role of this variant in disease. Therefore, it has been classified as a Variant of Uncertain Significance.

Women's Health and Genetics/Laboratory Corporation of America, LabCorp
Classification: Uncertain significance. Last evaluated: 2023-11-02. Review status: criteria provided, single submitter. Criteria: LabCorp Variant Classification Summary - May 2015. Collection method: clinical testing. Allele origin: germline.

Quest Diagnostics Nichols Institute San Juan Capistrano
Classification: Uncertain significance. Last evaluated: 2023-05-11. Review status: criteria provided, single submitter. Criteria: Quest Diagnostics criteria. Collection method: clinical testing. Allele origin: unknown.
Comment: The frequency of this variant in the general population, 0.000032 (1/31402 chromosomes), is uninformative in assessment of its pathogenicity. In a breast cancer case-control study, this variant has only been reported in an unaffected control individual (PMID: 33471991 (2021), see also LOVD). Analysis of this variant using bioinformatics tools for the prediction of the effect of amino acid changes on protein structure and function yielded predictions that this variant is benign. Based on the available information, we are unable to determine the clinical significance of this variant.

Baylor Genetics
Classification: Uncertain significance for Familial cancer of breast. Last evaluated: 2023-04-26. Review status: criteria provided, single submitter. Criteria: ACMG Guidelines, 2015. Collection method: clinical testing. Allele origin: unknown.

PreventionGenetics, part of Exact Sciences
Classification: Uncertain significance for BRIP1-related condition. Last evaluated: 2023-02-03. Review status: criteria provided, single submitter. Criteria: ACMG Guidelines, 2015. Collection method: clinical testing. Allele origin: germline.
Comment: The BRIP1 c.1650T>G variant is predicted to result in the amino acid substitution p.Ile550Met. To our knowledge, this variant has not been reported in the literature. This variant is reported in 0.011% of alleles in individuals of African descent in gnomAD. At this time, the clinical significance of this variant is uncertain due to the absence of conclusive functional and genetic evidence.

Ambry Genetics
Classification: Likely benign for Hereditary cancer-predisposing syndrome. Last evaluated: 2021-01-20. Review status: criteria provided, single submitter. Criteria: Ambry Variant Classification Scheme 2023. Collection method: clinical testing. Allele origin: germline.

Literature cited by the submitters: PubMed 33471991 (cited by Quest Diagnostics Nichols Institute San Juan Capistrano).